The following is an entry in ClinVar:

NM_182961.4(SYNE1):c.14042A>G (p.Glu4681Gly)

Gene: SYNE1 (spectrin repeat containing nuclear envelope protein 1; minus strand). Cytogenetic location: 6q25.2.
Variant type: single nucleotide variant.
Coding change: c.14042A>G on transcript NM_182961.4 (MANE Select); coding-DNA position 14042, A replaced by G.
Protein change: p.Glu4681Gly; replaces glutamic acid 4681 with glycine.
Molecular consequence: missense variant.
Genome position (GRCh38, 1-based): chr6:152,330,643, T>C on the plus strand (A>G on the coding strand, the complement: SYNE1 is on the minus strand). VCF-style: chr6-152330643-T-C. GRCh37 (hg19) VCF-style: chr6-152651778-T-C.
Other names: c.13829A>G, p.Glu4610Gly (NM_033071.5); short protein forms E4610G, E4681G.
Identifiers: ClinVar variation 1212604 (VCV001212604.3), dbSNP rs2153971655, ClinGen allele CA366098857.
Genomic context (GRCh38, chr6:152,330,643, plus strand): 5'-GGAACTTTGCTCATCCTCAAGAATTGGGCTTCAAGTTCACTCAGAGACTGGGTTGTCAAC[T>C]CAATCAAGGAAGCATATTCCTTCCGAGCAAGAATTGCTTCCTGGACTTTATAGAACTTGT-3'
Protein context (NP_892006.3, residues 4671-4691): LARKEYASLI[Glu4681Gly]LTTQSLSELE

ClinVar aggregate classification (germline): Uncertain significance (1 of 4 stars; one submission).

Submission:

GeneDx
Classification: Uncertain significance. Last evaluated: 2020-08-29. Review status: criteria provided, single submitter. Criteria: GeneDx Variant Classification Process June 2021. Collection method: clinical testing. Allele origin: germline. Affected: yes.
Comment: Not observed in large population cohorts (Lek et al., 2016); In silico analysis, which includes protein predictors and evolutionary conservation, supports a deleterious effect; Has not been previously published as pathogenic or benign to our knowledge